The following is an entry in ClinVar:

NM_138576.4(BCL11B):c.565C>T (p.Arg189Cys)

Gene: BCL11B (BCL11 transcription factor B; minus strand). Cytogenetic location: 14q32.2.
Variant type: single nucleotide variant.
Coding change: c.565C>T on transcript NM_138576.4 (MANE Select); coding-DNA position 565, C replaced by T.
Protein change: p.Arg189Cys; replaces arginine 189 with cysteine.
Molecular consequence: missense variant. On other transcripts: intron variant (2).
Genome position (GRCh38, 1-based): chr14:99,231,420, G>A on the plus strand (C>T on the coding strand, the complement: BCL11B is on the minus strand). VCF-style: chr14-99231420-G-A. GRCh37 (hg19) VCF-style: chr14-99697757-G-A.
Other names: c.562C>T, p.Arg188Cys (NM_001282237.2); c.424+26051C>T (NM_001282238.2); c.427+26051C>T (NM_022898.3); c.565C>T (NM_138576.2); short protein forms R188C, R189C.
Identifiers: ClinVar variation 1493116 (VCV001493116.7), dbSNP rs763204317, ClinGen allele CA7339858.

ClinVar aggregate classification (germline): Conflicting classifications of pathogenicity. Review status: criteria provided, conflicting classifications (1 of 4 stars). 2 submissions from 2 submitters: Uncertain significance (1); Likely benign (1). Last evaluated 2025-03-27.

Conditions:
Inborn genetic diseases. Identifiers: MedGen C0950123, MeSH D030342.

Allele frequency attached by ClinVar (database versions not stated): gnomAD exomes 0.00001 and 0.00003; gnomAD 0.00002; TOPMed 0.00002; ExAC 0.00003.
gnomAD v4.1: 21 of 1,596,190 alleles (0.0013%); highest among the groups gnomAD compares: East Asian, 0.011%; no homozygotes.

Submissions (2):

Labcorp Genetics (formerly Invitae), Labcorp
Classification: Uncertain significance. Last evaluated: 2025-03-27. Review status: criteria provided, single submitter. Criteria: Invitae Variant Classification Sherloc (09022015). Collection method: clinical testing. Allele origin: germline.
Comment: This sequence change replaces arginine, which is basic and polar, with cysteine, which is neutral and slightly polar, at codon 189 of the BCL11B protein (p.Arg189Cys). This variant is present in population databases (rs763204317, gnomAD 0.03%). This variant has not been reported in the literature in individuals affected with BCL11B-related conditions. ClinVar contains an entry for this variant (Variation ID: 1493116). Invitae Evidence Modeling of protein sequence and biophysical properties (such as structural, functional, and spatial information, amino acid conservation, physicochemical variation, residue mobility, and thermodynamic stability) indicates that this missense variant is not expected to disrupt BCL11B protein function with a negative predictive value of 95%. In summary, the available evidence is currently insufficient to determine the role of this variant in disease. Therefore, it has been classified as a Variant of Uncertain Significance.

Ambry Genetics
Classification: Likely benign for Inborn genetic diseases. Last evaluated: 2024-03-29. Review status: criteria provided, single submitter. Criteria: Ambry Variant Classification Scheme 2023. Collection method: clinical testing. Allele origin: germline.